The following is an entry in ClinVar:

ClinVar aggregate classification (germline): Conflicting classifications of pathogenicity. Review status: criteria provided, conflicting classifications (1 of 4 stars). 10 submissions from 10 submitters: Uncertain significance (6); Likely benign (3). 1 of the submissions does not count toward it. Last evaluated 2026-01-18.

Conditions:
Hereditary cancer-predisposing syndrome. Also called: Neoplastic Syndromes, Hereditary; Hereditary neoplastic syndrome; Hereditary Cancer Syndrome; Tumor predisposition. Identifiers: Orphanet 140162, MedGen C0027672, MeSH D009386, MONDO:0015356.
Familial cancer of breast. Also called: hereditary breast carcinoma; BREAST CANCER, FAMILIAL; Hereditary breast cancer. Identifiers: Orphanet 227535, MedGen C0346153, MONDO:0016419, OMIM 114480. Disease mechanism: loss of function.
Breast-ovarian cancer, familial, susceptibility to, 2 (BROVCA2). Also called: BRCA2 Hereditary Breast and Ovarian Cancer. Identifiers: Orphanet 145, MedGen C2675520, MONDO:0012933, OMIM 612555. Disease mechanism: loss of function.
Fanconi anemia complementation group D1. Also called: BRCA2-Related Fanconi Anemia. Identifiers: Orphanet 319462, MedGen C1838457, MONDO:0011584, OMIM 605724.
Medulloblastoma (MDB). Also called: Medulloblastoma, somatic; MEDULLOBLASTOMA PREDISPOSITION SYNDROME. Identifiers: Orphanet 616, MedGen C0025149, MeSH D008527, MONDO:0007959, OMIM 155255, HP:0002885.
Prostate cancer. Also called: Malignant tumor of prostate. Identifiers: Orphanet 1331, MedGen C0376358, MONDO:0008315, HP:0012125.
Wilms tumor 1 (WT1). Also called: Wilms tumor, somatic. Identifiers: Orphanet 654, MedGen CN033288, MONDO:0008679, OMIM 194070.
Pancreatic cancer, susceptibility to, 2. Identifiers: Orphanet 1333, MedGen C3150546, MONDO:0013235, OMIM 613347.
Glioma susceptibility 3 (GLM3). Also called: Glioblastoma 3. Identifiers: Orphanet 182067, Orphanet 360, MedGen C2751641, MONDO:0013093, OMIM 613029.
Hereditary breast ovarian cancer syndrome. Also called: BRCA1- and BRCA2-Associated Hereditary Breast and Ovarian Cancer; Hereditary breast and ovarian cancer syndrome; Hereditary breast and ovarian cancer syndrome (HBOC); Hereditary breast and ovarian cancer; Breast and ovarian cancer; Hereditary breast and/or ovarian cancer syndrome. Identifiers: Orphanet 145, MedGen C0677776, MeSH D061325, MONDO:0003582. Disease mechanism: loss of function.

Allele frequency attached by ClinVar (database versions not stated): TOPMed 0.00001; gnomAD exomes 0.00002; gnomAD 0.00001; ExAC 0.00002.
gnomAD v4.1: 6 of 1,610,478 alleles (0.00037%); highest among the groups gnomAD compares: East Asian, 0.013%; no homozygotes.

Submissions (10):

Labcorp Genetics (formerly Invitae), Labcorp
Classification: Uncertain significance for Hereditary breast ovarian cancer syndrome. Last evaluated: 2026-01-18. Review status: criteria provided, single submitter. Criteria: Invitae Variant Classification Sherloc (09022015). Collection method: clinical testing. Allele origin: germline.
Comment: This sequence change replaces serine, which is neutral and polar, with isoleucine, which is neutral and non-polar, at codon 1744 of the BRCA2 protein (p.Ser1744Ile). This variant is present in population databases (rs587782060, gnomAD 0.04%). This missense change has been observed in individual(s) with breast, ovarian cancer and colorectal cancer (PMID: 27907908, 28664449, 32548945). ClinVar contains an entry for this variant (Variation ID: 141853). Invitae Evidence Modeling of protein sequence and biophysical properties (such as structural, functional, and spatial information, amino acid conservation, physicochemical variation, residue mobility, and thermodynamic stability) indicates that this missense variant is not expected to disrupt BRCA2 protein function with a negative predictive value of 95%. In summary, the available evidence is currently insufficient to determine the role of this variant in disease. Therefore, it has been classified as a Variant of Uncertain Significance.

Women's Health and Genetics/Laboratory Corporation of America, LabCorp
Classification: Uncertain significance. Last evaluated: 2025-08-28. Review status: criteria provided, single submitter. Criteria: LabCorp Variant Classification Summary - May 2015. Collection method: clinical testing. Allele origin: germline.
Comment: Variant summary: BRCA2 c.5231G>T (p.Ser1744Ile) results in a non-conservative amino acid change in the encoded protein sequence. Algorithms developed to predict the effect of missense changes on protein structure and function are either unavailable or do not agree on the potential impact of this missense change. The variant allele was found at a frequency of 2.4e-05 in 249282 control chromosomes, predominantly at a frequency of 0.00033 within the East Asian subpopulation in the gnomAD database. The available data on variant occurrences in the general population are insufficient to allow any conclusion about variant significance. c.5231G>T has been reported in the literature in individuals affected with breast cancer (e.g. Li_2017, Tria_2019), ovarian cancer (e.g. Chao_2016), Lynch Syndrome (e.g. Xu_2020), and DLBCL (e.g. deMiranda_2013). These report(s) do not provide unequivocal conclusions about association of the variant with Hereditary Breast And Ovarian Cancer Syndrome. To our knowledge, no experimental evidence demonstrating an impact on protein function has been reported. The following publications have been ascertained in the context of this evaluation (PMID: 27907908, 31825140, 28664449, 32548945, 23960188, Tria et al). ClinVar contains an entry for this variant (Variation ID: 141853). Based on the evidence outlined above, the variant was classified as uncertain significance.

All of Us Research Program, National Institutes of Health
Classification: Uncertain significance for Breast-ovarian cancer, familial, susceptibility to, 2. Last evaluated: 2023-10-06. Review status: criteria provided, single submitter. Criteria: ACMG Guidelines, 2015. Collection method: clinical testing. Allele origin: germline. Inheritance: Autosomal dominant inheritance. Observed: 1 variant allele, 1 heterozygote.
Comment: This missense variant replaces serine with isoleucine at codon 1744 of the BRCA2 protein. Computational prediction suggests that this variant may not impact protein structure and function (internally defined REVEL score threshold <= 0.5, PMID: 27666373). To our knowledge, functional studies have not been reported for this variant. This variant has been reported in individuals affected with lymphoma, breast, ovarian, and colorectal cancer (PMID: 23960188, 27907908, 28664449, 32548945). In a large breast cancer case-control meta analysis conducted by the BRIDGES consortium, this variant was reported in 6/60466 cases and 1/53461 unaffected controls (PMID: 33471991; Leiden Open Variation Database DB-ID BRCA2_007158). This variant has been identified in 7/280688 chromosomes in the general population by the Genome Aggregation Database (gnomAD). The available evidence is insufficient to determine the role of this variant in disease conclusively. Therefore, this variant is classified as a Variant of Uncertain Significance.

This study involves interpretation of variants in research participants for the purpose of population health screening. Participant phenotype was not available at the time of variant classification. Additional details can be found in publication PMID: 35346344, PMCID: PMC8962531

Color Diagnostics, LLC DBA Color Health
Classification: Uncertain significance for Hereditary cancer-predisposing syndrome. Last evaluated: 2023-09-20. Review status: criteria provided, single submitter. Criteria: ACMG Guidelines, 2015. Collection method: clinical testing. Allele origin: germline.
Comment: This missense variant replaces serine with isoleucine at codon 1744 of the BRCA2 protein. Computational prediction suggests that this variant may not impact protein structure and function (internally defined REVEL score threshold <= 0.5, PMID: 27666373). To our knowledge, functional studies have not been reported for this variant. This variant has been reported in individuals affected with lymphoma, breast, ovarian, and colorectal cancer (PMID: 23960188, 27907908, 28664449, 32548945). In a large breast cancer case-control meta analysis conducted by the BRIDGES consortium, this variant was reported in 6/60466 cases and 1/53461 unaffected controls (PMID: 33471991; Leiden Open Variation Database DB-ID BRCA2_007158). This variant has been identified in 7/280688 chromosomes in the general population by the Genome Aggregation Database (gnomAD). The available evidence is insufficient to determine the role of this variant in disease conclusively. Therefore, this variant is classified as a Variant of Uncertain Significance.

Myriad Genetics, Inc.
Classification: Likely benign for Breast-ovarian cancer, familial, susceptibility to, 2. Last evaluated: 2023-04-03. Review status: criteria provided, single submitter. Criteria: Myriad Autosomal Dominant, Autosomal Recessive and X-Linked Classification Criteria (2023). Collection method: clinical testing. Allele origin: unknown.
Comment: This variant is considered likely benign. This variant is strongly associated with less severe personal and family histories of cancer, typical for individuals without pathogenic variants in this gene [PMID: 25085752].

University of Washington Department of Laboratory Medicine, University of Washington
Classification: Likely benign for Hereditary cancer-predisposing syndrome. Last evaluated: 2023-03-23. Review status: criteria provided, single submitter. Criteria: Dines et al. (Genet Med. 2020). Collection method: curation. Allele origin: germline.
Comment: Missense variant in a coldspot region where missense variants are very unlikely to be pathogenic (PMID:31911673).

BRCA2 exon 11 coldspot. Reclassification based on statistical prior probability.

Ambry Genetics
Classification: Likely benign for Hereditary cancer-predisposing syndrome. Last evaluated: 2022-08-04. Review status: criteria provided, single submitter. Criteria: Ambry Variant Classification Scheme 2023. Collection method: clinical testing. Allele origin: germline.

Fulgent Genetics
Classification: Uncertain significance for Familial cancer of breast; Medulloblastoma; Familial prostate cancer; Wilms tumor 1; Fanconi anemia complementation group D1; Breast-ovarian cancer, familial, susceptibility to, 2; Glioma susceptibility 3; Pancreatic cancer, susceptibility to, 2. Last evaluated: 2021-08-25. Review status: criteria provided, single submitter. Criteria: ACMG Guidelines, 2015. Collection method: clinical testing. Allele origin: unknown.

Quest Diagnostics Nichols Institute San Juan Capistrano
Classification: Uncertain significance. Last evaluated: 2019-11-27. Review status: criteria provided, single submitter. Criteria: Quest Diagnostics criteria. Collection method: clinical testing. Allele origin: unknown.

Counsyl
Classification: Uncertain significance for Breast-ovarian cancer, familial, susceptibility to, 2. Last evaluated: 2015-12-28. Review status: no assertion criteria provided. Collection method: clinical testing. Allele origin: unknown. Not counted in ClinVar's aggregate classification.

Literature cited by the submitters: PubMed 27907908 (cited by 6 submitters); PubMed 28664449 (cited by 6 submitters); PubMed 32548945 (cited by 4 submitters); PubMed 23960188 (cited by 4 submitters); PubMed 31825140 (cited by Women's Health and Genetics/Laboratory Corporation of America, LabCorp); PubMed 33471991 (cited by All of Us Research Program, National Institutes of Health and Color Diagnostics, LLC DBA Color Health); PubMed 25085752 (cited by Myriad Genetics, Inc.).

NM_000059.4(BRCA2):c.5231G>T (p.Ser1744Ile)

Gene: BRCA2 (BRCA2 DNA repair associated; plus strand). Cytogenetic location: 13q13.1.
Variant type: single nucleotide variant.
Coding change: c.5231G>T on transcript NM_000059.4 (MANE Select); coding-DNA position 5231, G replaced by T.
Protein change: p.Ser1744Ile; replaces serine 1744 with isoleucine.
Molecular consequence: missense variant.
Genome position (GRCh38, 1-based): chr13:32,339,586, G>T. VCF-style: chr13-32339586-G-T. GRCh37 (hg19) VCF-style: chr13-32913723-G-T.
Other names: short protein forms S1744I.
Identifiers: ClinVar variation 141853 (VCV000141853.27), dbSNP rs587782060, ClinGen allele CA021814.